The following is an entry in ClinVar:

NM_003482.4(KMT2D):c.16160A>G (p.Gln5387Arg)

Gene: KMT2D (lysine methyltransferase 2D; minus strand). Cytogenetic location: 12q13.12.
Variant type: single nucleotide variant.
Coding change: c.16160A>G on transcript NM_003482.4 (MANE Select); coding-DNA position 16160, A replaced by G.
Protein change: p.Gln5387Arg; replaces glutamine 5387 with arginine.
Molecular consequence: missense variant.
Genome position (GRCh38, 1-based): chr12:49,022,768, T>C on the plus strand (A>G on the coding strand, the complement: KMT2D is on the minus strand). VCF-style: chr12-49022768-T-C. GRCh37 (hg19) VCF-style: chr12-49416551-T-C.
Other names: short protein forms Q5387R.
Identifiers: ClinVar variation 1333078 (VCV001333078.2), dbSNP rs750674319, ClinGen allele CA6545421.

ClinVar aggregate classification (germline): Uncertain significance (1 of 4 stars; one submission).

Submission:

GeneDx
Classification: Uncertain significance. Last evaluated: 2022-01-07. Review status: criteria provided, single submitter. Criteria: GeneDx Variant Classification Process June 2021. Collection method: clinical testing. Allele origin: germline. Affected: yes.
Comment: Has not been previously published as pathogenic or benign to our knowledge; Not observed at significant frequency in large population cohorts (gnomAD); In silico analysis supports that this missense variant has a deleterious effect on protein structure/function